The following is an entry in ClinVar:

ClinVar aggregate classification (germline): Uncertain significance. Review status: criteria provided, multiple submitters, no conflicts (2 of 4 stars). 2 submissions from 2 submitters: Uncertain significance (2). Last evaluated 2025-09-12.

Conditions:
Gorlin syndrome. Also called: Basal cell nevus syndrome; Nevoid Basal Cell Carcinoma Syndrome. Identifiers: Orphanet 377, MedGen C0004779, MONDO:0007187.
Hereditary cancer-predisposing syndrome. Also called: Neoplastic Syndromes, Hereditary; Hereditary Cancer Syndrome; Tumor predisposition; Hereditary neoplastic syndrome. Identifiers: Orphanet 140162, MedGen C0027672, MeSH D009386, MONDO:0015356.

Allele frequency attached by ClinVar (database versions not stated): gnomAD 0.00001.

Submissions (2):

Ambry Genetics
Classification: Uncertain significance for Hereditary cancer-predisposing syndrome. Last evaluated: 2025-09-12. Review status: criteria provided, single submitter. Criteria: Ambry Variant Classification Scheme 2023. Collection method: clinical testing. Allele origin: germline.
Comment: The p.M1071L variant (also known as c.3211A>T), located in coding exon 19 of the PTCH1 gene, results from an A to T substitution at nucleotide position 3211. The methionine at codon 1071 is replaced by leucine, an amino acid with highly similar properties. This amino acid position is conserved. In addition, this alteration is predicted to be deleterious by in silico analysis. Based on the available evidence, the clinical significance of this variant remains unclear.

Labcorp Genetics (formerly Invitae), Labcorp
Classification: Uncertain significance for Gorlin syndrome. Last evaluated: 2025-09-10. Review status: criteria provided, single submitter. Criteria: Invitae Variant Classification Sherloc (09022015). Collection method: clinical testing. Allele origin: germline.
Comment: This sequence change replaces methionine, which is neutral and non-polar, with leucine, which is neutral and non-polar, at codon 1071 of the PTCH1 protein (p.Met1071Leu). This variant is not present in population databases (gnomAD no frequency). This variant has not been reported in the literature in individuals affected with PTCH1-related conditions. ClinVar contains an entry for this variant (Variation ID: 1441152). Invitae Evidence Modeling of protein sequence and biophysical properties (such as structural, functional, and spatial information, amino acid conservation, physicochemical variation, residue mobility, and thermodynamic stability) has been performed for this missense variant. However, the output from this modeling did not meet the statistical confidence thresholds required to predict the impact of this variant on PTCH1 protein function. In summary, the available evidence is currently insufficient to determine the role of this variant in disease. Therefore, it has been classified as a Variant of Uncertain Significance.

NM_000264.5(PTCH1):c.3211A>T (p.Met1071Leu)

Gene: PTCH1 (patched 1; minus strand). Cytogenetic location: 9q22.32.
Variant type: single nucleotide variant.
Coding change: c.3211A>T on transcript NM_000264.5 (MANE Select); coding-DNA position 3211, A replaced by T.
Protein change: p.Met1071Leu; replaces methionine 1071 with leucine.
Molecular consequence: missense variant. On other transcripts: non-coding transcript variant (1).
Genome position (GRCh38, 1-based): chr9:95,456,371, T>A on the plus strand (A>T on the coding strand, the complement: PTCH1 is on the minus strand). VCF-style: chr9-95456371-T-A. GRCh37 (hg19) VCF-style: chr9-98218653-T-A.
Other names: c.3013A>T, p.Met1005Leu (NM_001083602.3); c.3208A>T, p.Met1070Leu (NM_001083603.3); c.2758A>T, p.Met920Leu (NM_001083604.3, NM_001083605.3, NM_001083606.3 and 1 more transcripts); c.3055A>T, p.Met1019Leu (NM_001354918.2); c.3211A>T (NM_000264.3); short protein forms M1019L, M1070L, M920L, M1005L, M1071L.
Identifiers: ClinVar variation 1441152 (VCV001441152.11), dbSNP rs559317040, ClinGen allele CA196573485.